The following is an entry in ClinVar:

NM_018319.4(TDP1):c.1297A>G (p.Ser433Gly)

Gene: TDP1 (tyrosyl-DNA phosphodiesterase 1; plus strand). Cytogenetic location: 14q32.11.
Variant type: single nucleotide variant.
Coding change: c.1297A>G on transcript NM_018319.4 (MANE Select); coding-DNA position 1297, A replaced by G.
Protein change: p.Ser433Gly; replaces serine 433 with glycine.
Molecular consequence: missense variant.
Genome position (GRCh38, 1-based): chr14:89,989,070, A>G. VCF-style: chr14-89989070-A-G. GRCh37 (hg19) VCF-style: chr14-90455414-A-G.
Other names: c.1297A>G, p.Ser433Gly (NM_001008744.2, NM_001330205.2); short protein forms S433G.
Identifiers: ClinVar variation 3571900 (VCV003571900.1).

ClinVar aggregate classification (germline): Uncertain significance (1 of 4 stars; one submission).

gnomAD v4.1: 5 of 1,613,886 alleles (0.00031%); highest among the groups gnomAD compares: African/African-American, 0.004%; no homozygotes.

Submission:

Athena Diagnostics
Classification: Uncertain significance. Last evaluated: 2023-10-19. Review status: criteria provided, single submitter. Criteria: Athena Diagnostics Criteria. Collection method: clinical testing. Allele origin: unknown.
Comment: Available data are insufficient to determine the clinical significance of the variant at this time. The frequency of this variant in the general population is uninformative in assessment of its pathogenicity. Computational tools predict that this variant is not damaging.